The following is an entry in ClinVar:

NM_001114122.3(CHEK1):c.-196A>G

Genes: CHEK1 (checkpoint kinase 1; plus strand), LOC118567325 (uncharacterized LOC118567325; minus strand), LOC130007016 (ATAC-STARR-seq lymphoblastoid active region 5700; plus strand). Cytogenetic location: 11q24.2.
Variant type: single nucleotide variant.
Coding change: c.-196A>G on transcript NM_001114122.3 (MANE Select); 196 bases upstream of the start codon, A replaced by G.
Molecular consequence: 5 prime UTR variant. On other transcripts: non-coding transcript variant (2).
Genome position (GRCh38, 1-based): chr11:125,625,837, A>G. VCF-style: chr11-125625837-A-G. GRCh37 (hg19) VCF-style: chr11-125495732-A-G.
Other names: c.-196A>G (NM_001114121.2, NM_001244846.1); c.-275A>G (NM_001330427.2).
Identifiers: ClinVar variation 3043887 (VCV003043887.2), dbSNP rs565780672, ClinGen allele CA6349254.
Genomic context (GRCh38, chr11:125,625,837, plus strand): 5'-TTAAATCTCTTCAGCCAGGATCTCTCCCCGACTGCAAAGCAGCCCTGGGCGGGAGCGGCA[A>G]CATCTCCACGTCACCCTTTTGGAGCCGCCGACATTCAGAGGGGCAGGACACGGGAACGCG-3'

ClinVar aggregate classification (germline): Benign (0 of 4 stars; one submission).

Conditions:
CHEK1-related disorder. Also called: CHEK1-related condition.

Allele frequency attached by ClinVar (database versions not stated): 1000 Genomes Project 30x 0.00047; TOPMed 0.00181; ExAC 0.00224; gnomAD 0.00248; gnomAD exomes 0.00329.
gnomAD v4.1: 2,168 of 702,610 alleles (0.31%); highest among the groups gnomAD compares: Non-Finnish European, 0.35%; 6 homozygotes.

Submission:

PreventionGenetics, part of Exact Sciences
Classification: Benign for CHEK1-related condition. Last evaluated: 2019-11-08. Review status: no assertion criteria provided. Collection method: clinical testing. Allele origin: germline.
Comment: This variant is classified as benign based on ACMG/AMP sequence variant interpretation guidelines (Richards et al. 2015 PMID: 25741868, with internal and published modifications).